The following is an entry in ClinVar:

NM_144997.7(FLCN):c.365G>C (p.Arg122Pro)

Gene: FLCN (folliculin; minus strand). Cytogenetic location: 17p11.2.
Variant type: single nucleotide variant.
Coding change: c.365G>C on transcript NM_144997.7 (MANE Select); coding-DNA position 365, G replaced by C.
Protein change: p.Arg122Pro; replaces arginine 122 with proline.
Molecular consequence: missense variant.
Genome position (GRCh38, 1-based): chr17:17,226,207, C>G on the plus strand (G>C on the coding strand, the complement: FLCN is on the minus strand). VCF-style: chr17-17226207-C-G. GRCh37 (hg19) VCF-style: chr17-17129521-C-G.
Other names: c.365G>C, p.Arg122Pro (NM_001353229.2, NM_001353230.2, NM_001353231.2 and 1 more transcripts); short protein forms R122P.
Identifiers: ClinVar variation 1062368 (VCV001062368.8), dbSNP rs748979393, ClinGen allele CA8416447.
Genomic context (GRCh38, chr17:17,226,207, plus strand): 5'-GAGACAGGCTCTGTGGCCACAAGGCTCACCTCACAGCTCAGGCTCCGGACACAGGCCTGG[C>G]GGACAATGCTGAAGAGCTGGGGGTGGCTGGGGTGCTGGTGGCTGACGTATTTAATGGAGG-3'
Protein context (NP_659434.2, residues 112-132): PSHPQLFSIV[Arg122Pro]QACVRSLSCE

ClinVar aggregate classification (germline): Uncertain significance. Review status: criteria provided, multiple submitters, no conflicts (2 of 4 stars). 2 submissions from 2 submitters: Uncertain significance (2). Last evaluated 2025-12-03.

Conditions:
Hereditary cancer-predisposing syndrome. Also called: Tumor predisposition; Neoplastic Syndromes, Hereditary; Hereditary Cancer Syndrome; Hereditary neoplastic syndrome. Identifiers: Orphanet 140162, MedGen C0027672, MeSH D009386, MONDO:0015356.
Birt-Hogg-Dube syndrome. Also called: Birt Hogg Dubé syndrome. Identifiers: Orphanet 122, MedGen C0346010, MONDO:0800444.

Allele frequency attached by ClinVar (database versions not stated): gnomAD exomes below 0.00001; ExAC 0.00001.
gnomAD v4.1: 1 of 1,614,024 alleles (0.000062%); highest among the groups gnomAD compares: Non-Finnish European, 0.000085%; no homozygotes.

Submissions (2):

Labcorp Genetics (formerly Invitae), Labcorp
Classification: Uncertain significance for Birt-Hogg-Dube syndrome. Last evaluated: 2025-12-03. Review status: criteria provided, single submitter. Criteria: Invitae Variant Classification Sherloc (09022015). Collection method: clinical testing. Allele origin: germline.
Comment: This sequence change replaces arginine, which is basic and polar, with proline, which is neutral and non-polar, at codon 122 of the FLCN protein (p.Arg122Pro). This variant is present in population databases (rs748979393, gnomAD 0.0009%). This variant has not been reported in the literature in individuals affected with FLCN-related conditions. ClinVar contains an entry for this variant (Variation ID: 1062368). Invitae Evidence Modeling of protein sequence and biophysical properties (such as structural, functional, and spatial information, amino acid conservation, physicochemical variation, residue mobility, and thermodynamic stability) indicates that this missense variant is expected to disrupt FLCN protein function with a positive predictive value of 80%. In summary, the available evidence is currently insufficient to determine the role of this variant in disease. Therefore, it has been classified as a Variant of Uncertain Significance.

Ambry Genetics
Classification: Uncertain significance for Hereditary cancer-predisposing syndrome. Last evaluated: 2024-07-23. Review status: criteria provided, single submitter. Criteria: Ambry Variant Classification Scheme 2023. Collection method: clinical testing. Allele origin: germline.
Comment: The p.R122P variant (also known as c.365G>C), located in coding exon 2 of the FLCN gene, results from a G to C substitution at nucleotide position 365. The arginine at codon 122 is replaced by proline, an amino acid with dissimilar properties. This amino acid position is highly conserved in available vertebrate species. In addition, this alteration is predicted to be deleterious by in silico analysis. Since supporting evidence is limited at this time, the clinical significance of this alteration remains unclear.